The following is an entry in ClinVar:

ClinVar aggregate classification (germline): Uncertain significance (1 of 4 stars; one submission).

Allele frequency attached by ClinVar (database versions not stated): TOPMed below 0.00001.
gnomAD v4.1: 1 of 1,605,366 alleles (0.000062%); highest among the groups gnomAD compares: Non-Finnish European, 0.000085%; no homozygotes.

Submission:

Labcorp Genetics (formerly Invitae), Labcorp
Classification: Uncertain significance. Last evaluated: 2021-09-01. Review status: criteria provided, single submitter. Criteria: Invitae Variant Classification Sherloc (09022015). Collection method: clinical testing. Allele origin: germline.
Comment: This sequence change replaces leucine with proline at codon 884 of the NPHS1 protein (p.Leu884Pro). The leucine residue is moderately conserved and there is a moderate physicochemical difference between leucine and proline. This variant is not present in population databases (ExAC no frequency). This variant has not been reported in the literature in individuals affected with NPHS1-related conditions. Advanced modeling of protein sequence and biophysical properties (such as structural, functional, and spatial information, amino acid conservation, physicochemical variation, residue mobility, and thermodynamic stability) performed at Invitae indicates that this missense variant is not expected to disrupt NPHS1 protein function. In summary, the available evidence is currently insufficient to determine the role of this variant in disease. Therefore, it has been classified as a Variant of Uncertain Significance.

NM_004646.4(NPHS1):c.2651T>C (p.Leu884Pro)

Gene: NPHS1 (NPHS1 adhesion molecule, nephrin; minus strand). Cytogenetic location: 19q13.12.
Variant type: single nucleotide variant.
Coding change: c.2651T>C on transcript NM_004646.4 (MANE Select); coding-DNA position 2651, T replaced by C.
Protein change: p.Leu884Pro; replaces leucine 884 with proline.
Molecular consequence: missense variant.
Genome position (GRCh38, 1-based): chr19:35,842,136, A>G on the plus strand (T>C on the coding strand, the complement: NPHS1 is on the minus strand). VCF-style: chr19-35842136-A-G. GRCh37 (hg19) VCF-style: chr19-36333038-A-G.
Other names: short protein forms L884P.
Identifiers: ClinVar variation 1927644 (VCV001927644.2), dbSNP rs1286375606, ClinGen allele CA405391147.